The following is an entry in ClinVar:

ClinVar aggregate classification (germline): Uncertain significance (1 of 4 stars; one submission).

Submission:

GeneDx
Classification: Uncertain significance. Last evaluated: 2020-02-07. Review status: criteria provided, single submitter. Criteria: GeneDx Variant Classification Process June 2021. Collection method: clinical testing. Allele origin: germline. Affected: yes.
Comment: Has not been previously published as pathogenic or benign to our knowledge; Not observed in large population cohorts (Lek et al., 2016); In silico analysis supports that this missense variant has a deleterious effect on protein structure/function

NM_001035.3(RYR2):c.133A>G (p.Arg45Gly)

Gene: RYR2 (ryanodine receptor 2; plus strand). Cytogenetic location: 1q43.
Variant type: single nucleotide variant.
Coding change: c.133A>G on transcript NM_001035.3 (MANE Select); coding-DNA position 133, A replaced by G.
Protein change: p.Arg45Gly; replaces arginine 45 with glycine.
Molecular consequence: missense variant.
Genome position (GRCh38, 1-based): chr1:237,270,581, A>G. VCF-style: chr1-237270581-A-G. GRCh37 (hg19) VCF-style: chr1-237433881-A-G.
Other names: short protein forms R45G.
Identifiers: ClinVar variation 1202051 (VCV001202051.3), dbSNP rs2149347146, ClinGen allele CA345654442.